The following is an entry in ClinVar:

ClinVar aggregate classification (germline): Uncertain significance. Review status: criteria provided, multiple submitters, no conflicts (2 of 4 stars). 2 submissions from 2 submitters: Uncertain significance (2). Last evaluated 2025-08-07.

Conditions:
Inborn genetic diseases. Identifiers: MedGen C0950123, MeSH D030342.

Allele frequency attached by ClinVar (database versions not stated): gnomAD exomes 0.00001 and 0.00003; gnomAD 0.00005 and 0.00006; ExAC 0.00006; TOPMed 0.00010; 1000 Genomes Project 30x 0.00016; ESP Exome Variant Server 0.00016; 1000 Genomes Project 0.00020.
gnomAD v4.1: 26 of 1,613,506 alleles (0.0016%); highest among the groups gnomAD compares: African/African-American, 0.017%; no homozygotes.

Submissions (2):

Ambry Genetics
Classification: Uncertain significance for Inborn genetic diseases. Last evaluated: 2025-08-07. Review status: criteria provided, single submitter. Criteria: Ambry Variant Classification Scheme 2023. Collection method: clinical testing. Allele origin: germline.

Labcorp Genetics (formerly Invitae), Labcorp
Classification: Uncertain significance. Last evaluated: 2023-12-04. Review status: criteria provided, single submitter. Criteria: Invitae Variant Classification Sherloc (09022015). Collection method: clinical testing. Allele origin: germline.
Comment: This sequence change replaces leucine, which is neutral and non-polar, with phenylalanine, which is neutral and non-polar, at codon 1856 of the MPDZ protein (p.Leu1856Phe). This variant is present in population databases (rs372542783, gnomAD 0.02%). This variant has not been reported in the literature in individuals affected with MPDZ-related conditions. ClinVar contains an entry for this variant (Variation ID: 1503575). An algorithm developed to predict the effect of missense changes on protein structure and function (PolyPhen-2) suggests that this variant is likely to be disruptive. In summary, the available evidence is currently insufficient to determine the role of this variant in disease. Therefore, it has been classified as a Variant of Uncertain Significance.

NM_001378778.1(MPDZ):c.5653C>T (p.Leu1885Phe)

Gene: MPDZ (multiple PDZ domain crumbs cell polarity complex component; minus strand). Cytogenetic location: 9p23.
Variant type: single nucleotide variant.
Coding change: c.5653C>T on transcript NM_001378778.1 (MANE Select); coding-DNA position 5653, C replaced by T.
Protein change: p.Leu1885Phe; replaces leucine 1885 with phenylalanine.
Molecular consequence: missense variant.
Genome position (GRCh38, 1-based): chr9:13,112,095, G>A on the plus strand (C>T on the coding strand, the complement: MPDZ is on the minus strand). VCF-style: chr9-13112095-G-A. GRCh37 (hg19) VCF-style: chr9-13112094-G-A.
Other names: c.5554C>T, p.Leu1852Phe (NM_001261406.2, NM_001375416.1, NM_001375417.1 and 1 more transcripts); c.5467C>T, p.Leu1823Phe (NM_001261407.2, NM_001375419.1); c.5653C>T, p.Leu1885Phe (NM_001330637.2); c.5752C>T, p.Leu1918Phe (NM_001375413.1); c.5443C>T, p.Leu1815Phe (NM_001375420.1, NM_001375421.1, NM_001375422.1 and 2 more transcripts); c.5356C>T, p.Leu1786Phe (NM_001375425.1, NM_001375426.1); c.5245C>T, p.Leu1749Phe (NM_001375427.1); c.5566C>T, p.Leu1856Phe (NM_003829.5); and 1 more; short protein forms L1823F, L1786F, L1852F, L1856F, L1918F, L1815F, L1885F, L1749F.
Identifiers: ClinVar variation 1503575 (VCV001503575.5), dbSNP rs372542783, ClinGen allele CA4986163.